The following is an entry in ClinVar:

NM_022835.3(PLEKHG2):c.1507G>A (p.Ala503Thr)

Gene: PLEKHG2 (pleckstrin homology and RhoGEF domain containing G2; plus strand). Cytogenetic location: 19q13.2.
Variant type: single nucleotide variant.
Coding change: c.1507G>A on transcript NM_022835.3 (MANE Select); coding-DNA position 1507, G replaced by A.
Protein change: p.Ala503Thr; replaces alanine 503 with threonine.
Molecular consequence: missense variant.
Genome position (GRCh38, 1-based): chr19:39,422,118, G>A. VCF-style: chr19-39422118-G-A. GRCh37 (hg19) VCF-style: chr19-39912758-G-A.
Other names: c.1330G>A, p.Ala444Thr (NM_001351693.2); c.1507G>A, p.Ala503Thr (NM_001351694.2); short protein forms A444T, A503T.
Identifiers: ClinVar variation 1407192 (VCV001407192.6), dbSNP rs754187197, ClinGen allele CA9429583.

ClinVar aggregate classification (germline): Uncertain significance (1 of 4 stars; one submission).

Submission:

Labcorp Genetics (formerly Invitae), Labcorp
Classification: Uncertain significance. Last evaluated: 2023-05-08. Review status: criteria provided, single submitter. Criteria: Invitae Variant Classification Sherloc (09022015). Collection method: clinical testing. Allele origin: germline.
Comment: In summary, the available evidence is currently insufficient to determine the role of this variant in disease. Therefore, it has been classified as a Variant of Uncertain Significance. Algorithms developed to predict the effect of missense changes on protein structure and function output the following: SIFT: "Not Available"; PolyPhen-2: "Benign"; Align-GVGD: "Not Available". The threonine amino acid residue is found in multiple mammalian species, which suggests that this missense change does not adversely affect protein function. ClinVar contains an entry for this variant (Variation ID: 1407192). This variant has not been reported in the literature in individuals affected with PLEKHG2-related conditions. The frequency data for this variant in the population databases is considered unreliable, as metrics indicate poor data quality at this position in the gnomAD database. This sequence change replaces alanine, which is neutral and non-polar, with threonine, which is neutral and polar, at codon 503 of the PLEKHG2 protein (p.Ala503Thr).